The following is an entry in ClinVar:

ClinVar aggregate classification (germline): Pathogenic (1 of 4 stars; one submission).

Conditions:
DYRK1A-related intellectual disability syndrome (MRD7). Also called: Intellectual developmental disorder, autosomal dominant 7; DYRK1A Syndrome. Identifiers: Orphanet 464306, MedGen C5568143, MONDO:0013578, OMIM 614104.

Submission:

Labcorp Genetics (formerly Invitae), Labcorp
Classification: Pathogenic for DYRK1A-related intellectual disability syndrome. Last evaluated: 2025-03-31. Review status: criteria provided, single submitter. Criteria: Invitae Variant Classification Sherloc (09022015). Collection method: clinical testing. Allele origin: germline.
Comment: This sequence change creates a premature translational stop signal (p.Asp99Valfs*3) in the DYRK1A gene. It is expected to result in an absent or disrupted protein product. Loss-of-function variants in DYRK1A are known to be pathogenic (PMID: 25944381). This variant is not present in population databases (gnomAD no frequency). This variant has not been reported in the literature in individuals affected with DYRK1A-related conditions. ClinVar contains an entry for this variant (Variation ID: 1457564). For these reasons, this variant has been classified as Pathogenic.

Literature cited by the submitters: PubMed 25944381.

NM_001347721.2(DYRK1A):c.267_268dup (p.Asp90fs)

Gene: DYRK1A (dual specificity tyrosine phosphorylation regulated kinase 1A; plus strand). Cytogenetic location: 21q22.13.
Variant type: Duplication.
Coding change: c.267_268dup on transcript NM_001347721.2 (MANE Select); coding-DNA positions 267 to 268, 2 bases duplicated (TG; older notation c.267_268dupTG).
Protein change: p.Asp90fs; shifts the reading frame from aspartic acid 90.
Molecular consequence: frameshift variant.
Genome position (GRCh38, 1-based): chr21:37,478,267-37,478,268, TG duplicated. VCF-style (leftmost placement, unchanged base first): chr21-37478266-T-TTG. GRCh37 (hg19) VCF-style: chr21-38850568-T-TTG.
Other names: c.267_268dup, p.Asp90fs (NM_001347722.2, NM_130436.2); c.180_181dup, p.Asp61fs (NM_001347723.2); c.294_295dup, p.Asp99fs (NM_001396.5, NM_101395.2, NM_130438.2); short protein forms D99fs, D61fs, D90fs.
Identifiers: ClinVar variation 1457564 (VCV001457564.6), dbSNP rs2148571670, ClinGen allele CA2573157414.